The following is an entry in ClinVar:

ClinVar aggregate classification (germline): Uncertain significance (1 of 4 stars; one submission).

Allele frequency attached by ClinVar (database versions not stated): gnomAD exomes below 0.00001; ExAC 0.00002.
gnomAD v4.1: 6 of 1,614,122 alleles (0.00037%); highest among the groups gnomAD compares: Non-Finnish European, 0.00051%; no homozygotes.

Submission:

Labcorp Genetics (formerly Invitae), Labcorp
Classification: Uncertain significance. Last evaluated: 2023-12-18. Review status: criteria provided, single submitter. Criteria: Invitae Variant Classification Sherloc (09022015). Collection method: clinical testing. Allele origin: germline.
Comment: This sequence change replaces lysine, which is basic and polar, with arginine, which is basic and polar, at codon 104 of the RLBP1 protein (p.Lys104Arg). This variant is present in population databases (rs753830559, gnomAD 0.002%). This variant has not been reported in the literature in individuals affected with RLBP1-related conditions. ClinVar contains an entry for this variant (Variation ID: 1714206). Advanced modeling of protein sequence and biophysical properties (such as structural, functional, and spatial information, amino acid conservation, physicochemical variation, residue mobility, and thermodynamic stability) performed at Invitae indicates that this missense variant is not expected to disrupt RLBP1 protein function with a negative predictive value of 80%. In summary, the available evidence is currently insufficient to determine the role of this variant in disease. Therefore, it has been classified as a Variant of Uncertain Significance.

NM_000326.5(RLBP1):c.311A>G (p.Lys104Arg)

Gene: RLBP1 (retinaldehyde binding protein 1; minus strand). Cytogenetic location: 15q26.1.
Variant type: single nucleotide variant.
Coding change: c.311A>G on transcript NM_000326.5 (MANE Select); coding-DNA position 311, A replaced by G.
Protein change: p.Lys104Arg; replaces lysine 104 with arginine.
Molecular consequence: missense variant.
Genome position (GRCh38, 1-based): chr15:89,217,155, T>C on the plus strand (A>G on the coding strand, the complement: RLBP1 is on the minus strand). VCF-style: chr15-89217155-T-C. GRCh37 (hg19) VCF-style: chr15-89760386-T-C.
Other names: short protein forms K104R.
Identifiers: ClinVar variation 1714206 (VCV001714206.3), dbSNP rs753830559, ClinGen allele CA7722325.